The following is an entry in ClinVar:

ClinVar aggregate classification (germline): Pathogenic (1 of 4 stars; one submission).

Conditions:
Hereditary breast ovarian cancer syndrome. Also called: Hereditary breast and ovarian cancer; Breast and ovarian cancer; BRCA1- and BRCA2-Associated Hereditary Breast and Ovarian Cancer; Hereditary breast and/or ovarian cancer syndrome; Hereditary breast and ovarian cancer syndrome; Hereditary breast and ovarian cancer syndrome (HBOC). Identifiers: Orphanet 145, MedGen C0677776, MeSH D061325, MONDO:0003582. Disease mechanism: loss of function.

Submission:

Labcorp Genetics (formerly Invitae), Labcorp
Classification: Pathogenic for Hereditary breast ovarian cancer syndrome. Last evaluated: 2023-12-05. Review status: criteria provided, single submitter. Criteria: Invitae Variant Classification Sherloc (09022015). Collection method: clinical testing. Allele origin: germline.
Comment: This sequence change creates a premature translational stop signal (p.Lys912Metfs*87) in the BRCA1 gene. It is expected to result in an absent or disrupted protein product. Loss-of-function variants in BRCA1 are known to be pathogenic (PMID: 20104584). This variant is not present in population databases (gnomAD no frequency). This variant has not been reported in the literature in individuals affected with BRCA1-related conditions. ClinVar contains an entry for this variant (Variation ID: 1074746). For these reasons, this variant has been classified as Pathogenic.

Literature cited by the submitters: PubMed 20104584.

NM_007294.4(BRCA1):c.2735_2738del (p.Lys912fs)

Gene: BRCA1 (BRCA1 DNA repair associated; minus strand). Cytogenetic location: 17q21.31.
Variant type: Deletion.
Coding change: c.2735_2738del on transcript NM_007294.4 (MANE Select); coding-DNA positions 2735 to 2738, 4 bases deleted (AGAA; older notation c.2735_2738delAGAA).
Protein change: p.Lys912fs; shifts the reading frame from lysine 912.
Molecular consequence: frameshift variant. On other transcripts: intron variant (137).
Genome position (GRCh38, 1-based): chr17:43,092,793-43,092,796, TTCT deleted on the plus strand (AGAA on the coding strand, the reverse complement: BRCA1 is on the minus strand); deleting any 4 consecutive bases within chr17:43,092,793-43,092,799 gives the same sequence; the c. name uses the placement nearest the transcript's 3' end. VCF-style (leftmost placement, unchanged base first): chr17-43092792-ATTCT-A. GRCh37 (hg19) VCF-style: chr17-41244809-ATTCT-A.
Other names: c.2522_2525del, p.Lys841fs (NM_001407571.1, NM_001407853.1, NM_001407894.1 and 9 more transcripts); c.2735_2738del, p.Lys912fs (NM_001407581.1, NM_001407582.1, NM_001407583.1 and 30 more transcripts); c.2732_2735del, p.Lys911fs (NM_001407587.1, NM_001407590.1, NM_001407591.1 and 22 more transcripts); c.2726_2729del, p.Lys909fs (NM_001407646.1, NM_001407647.1); c.2612_2615del, p.Lys871fs (NM_001407648.1, NM_001407664.1, NM_001407665.1 and 19 more transcripts); c.2609_2612del, p.Lys870fs (NM_001407649.1, NM_001407670.1, NM_001407671.1 and 11 more transcripts); c.2657_2660del, p.Lys886fs (NM_001407653.1, NM_001407654.1, NM_001407655.1 and 4 more transcripts); c.2654_2657del, p.Lys885fs (NM_001407659.1, NM_001407660.1, NM_001407661.1 and 1 more transcripts); and 41 more; short protein forms K865fs, K912fs, K616fs, K784fs, K823fs, K841fs, K845fs, K800fs.
Identifiers: ClinVar variation 1074746 (VCV001074746.8), dbSNP rs2154362073, ClinGen allele CA2499224498.
Genomic context (GRCh38, chr17:43,092,792, plus strand): 5'-ACCAACCACAGGAAAGCCTGCAGTGATATTAACTGTCTGTACAGGCTTGATATTAGACTC[ATTCT>A]TTCCTTGATTTTCTTCCTTTTGTTCACATTCAAAAGTGACTTTTGGACTTTGTTTCTTTA-3'